The following is an entry in ClinVar:

ClinVar aggregate classification (germline): Pathogenic/Likely pathogenic. Review status: criteria provided, multiple submitters, no conflicts (2 of 4 stars). 3 submissions from 3 submitters: Pathogenic (2); Likely pathogenic (1). Last evaluated 2026-08-28.

Conditions:
OTOF-related disorder. Also called: OTOF-related condition.
Tricho-oculo-dermo-vertebral syndrome. Also called: TODV SYNDROME; TRICHOOCULODERMOVERTEBRAL SYNDROME; Arthrogryposis and ectodermal dysplasia; ALVES SYNDROME. Identifiers: Orphanet 3354, MedGen C1866427, MONDO:0011131, OMIM 601701.

Allele frequency attached by ClinVar (database versions not stated): gnomAD exomes 0.00001.
gnomAD v4.1: 14 of 1,614,272 alleles (0.00087%); highest among the groups gnomAD compares: Non-Finnish European, 0.0012%; no homozygotes.

Submissions (3):

PreventionGenetics, part of Exact Sciences
Classification: Likely pathogenic for OTOF-related condition. Last evaluated: 2026-08-28. Review status: criteria provided, single submitter. Criteria: ACMG Guidelines, 2015. Collection method: clinical testing. Allele origin: germline.
Comment: The OTOF c.4759A>T variant is predicted to result in premature protein termination (p.Lys1587*). This variant has been reported in compound heterozygous state with loss-of-function variant in an individual with bilateral sensorineural hearing loss with onset <18 years and auditory neuropathy spectrum disorder (eTable 7, Carlson et al. 2023. PubMed ID: 36633841; ClinVar Variation ID: 2445636 ). This variant has not been reported in a large population database (gnomAD), indicating this variant is rare. Nonsense variants in OTOF are expected to be pathogenic. This variant is interpreted as likely pathogenic.

Labcorp Genetics (formerly Invitae), Labcorp
Classification: Pathogenic. Last evaluated: 2024-02-16. Review status: criteria provided, single submitter. Criteria: Invitae Variant Classification Sherloc (09022015). Collection method: clinical testing. Allele origin: germline.
Comment: This sequence change creates a premature translational stop signal (p.Lys1587*) in the OTOF gene. It is expected to result in an absent or disrupted protein product. Loss-of-function variants in OTOF are known to be pathogenic (PMID: 18381613, 19250381, 22575033). This variant is not present in population databases (gnomAD no frequency). This premature translational stop signal has been observed in individual(s) with hearing loss (PMID: 36633841). ClinVar contains an entry for this variant (Variation ID: 2445636). For these reasons, this variant has been classified as Pathogenic.

King Laboratory, University of Washington
Classification: Pathogenic for Tricho-oculo-dermo-vertebral syndrome. Last evaluated: 2023-02-28. Review status: criteria provided, single submitter. Criteria: Li et al. (Genet Med. 2022). Collection method: research. Allele origin: unknown. Affected: yes.
Comment: This variant occurred in compound heterozygosity with another OTOF nonsense variant in a patient with bilateral sensorineural hearing loss of onset <18 years and Auditory Neuropathy Spectrum Disorder (ANSD), in a study of pediatric hearing loss conducted by the King Laboratory (Carlson RJ et al. JAMA-OtoHNS 2023). Information on this patient’s family history was unavailable. This variant is a nonsense mutation that creates an early stop at position 1587 of the 1997 amino acid protein. As of January 2023, this variant has not been reported to ClinVar and is not found on gnomAD. Based on the prediction that this mutation leads to a truncated protein and goodness of fit of genotype to phenotype, we conclude that this variant is pathogenic.

Literature cited by the submitters: PubMed 18381613 (cited by Labcorp Genetics (formerly Invitae), Labcorp); PubMed 19250381 (cited by Labcorp Genetics (formerly Invitae), Labcorp); PubMed 22575033 (cited by Labcorp Genetics (formerly Invitae), Labcorp); PubMed 36633841 (cited by Labcorp Genetics (formerly Invitae), Labcorp and King Laboratory, University of Washington).

NM_194248.3(OTOF):c.4759A>T (p.Lys1587Ter)

Gene: OTOF (otoferlin; minus strand). Cytogenetic location: 2p23.3.
Variant type: single nucleotide variant.
Coding change: c.4759A>T on transcript NM_194248.3 (MANE Select); coding-DNA position 4759, A replaced by T.
Protein change: p.Lys1587Ter; replaces lysine 1587 with a stop codon.
Molecular consequence: nonsense.
Genome position (GRCh38, 1-based): chr2:26,465,712, T>A on the plus strand (A>T on the coding strand, the complement: OTOF is on the minus strand). VCF-style: chr2-26465712-T-A. GRCh37 (hg19) VCF-style: chr2-26688580-T-A.
Other names: c.4759A>T, p.Lys1587Ter (NM_001287489.2); c.2458A>T, p.Lys820Ter (NM_004802.4, NM_194323.3); c.2689A>T, p.Lys897Ter (NM_194322.3); c.4759A>T (NM_194248.2); short protein forms K820*, K1587*, K897*.
Identifiers: ClinVar variation 2445636 (VCV002445636.5), dbSNP rs2465523922, ClinGen allele CA346135338.